The following is an entry in ClinVar:

NM_001184880.2(PCDH19):c.361G>C (p.Asp121His)

Gene: PCDH19 (protocadherin 19; minus strand). Cytogenetic location: Xq22.1.
Variant type: single nucleotide variant.
Coding change: c.361G>C on transcript NM_001184880.2 (MANE Select); coding-DNA position 361, G replaced by C.
Protein change: p.Asp121His; replaces aspartic acid 121 with histidine.
Molecular consequence: missense variant.
Genome position (GRCh38, 1-based): chrX:100,408,237, C>G on the plus strand (G>C on the coding strand, the complement: PCDH19 is on the minus strand). VCF-style: chrX-100408237-C-G. GRCh37 (hg19) VCF-style: chrX-99663235-C-G.
Other names: p.D121H:GAC>CAC; c.361G>C, p.Asp121His (NM_001105243.2, NM_020766.3); short protein forms D121H.
Identifiers: ClinVar variation 206309 (VCV000206309.2), dbSNP rs796052795, ClinGen allele CA316284.

ClinVar aggregate classification (germline): Likely pathogenic (1 of 4 stars; one submission).

Submission:

GeneDx
Classification: Likely pathogenic. Last evaluated: 2016-09-22. Review status: criteria provided, single submitter. Criteria: GeneDx Variant Classification (06012015). Collection method: clinical testing. Allele origin: germline. Affected: yes.
Comment: The D121H variant in the PCDH19 gene has not been reported previously as a pathogenic variant, nor as a benign variant, to our knowledge. However, a different amino acid substitution at this position (D121N) has been reported previously in an individual with epileptic encephalopathy who had inherited the variant from an unaffected father (Depienne et al., 2009). The D121H variant was not observed in approximately 6400 individuals of European and African American ancestry in the NHLBI Exome Sequencing Project, indicating it is not a common benign variant in these populations. The D121H variant is a non-conservative amino acid substitution, which is likely to impact secondary protein structure as these residues differ in polarity, charge, size and/or other properties. In addition, this substitution occurs at a position that is conserved across species, and in silico analysis predicts this variant is probably damaging to the protein structure/function. Therefore, this variant is a strong candidate for a pathogenic mutation, however the possibility that D121H is a rare benign variant cannot be excluded. This variant has been observed de novo without verified parentage. The variant is found in EPILEPSY panel(s).